The following is an entry in ClinVar:

ClinVar aggregate classification (germline): Benign/Likely benign. Review status: criteria provided, multiple submitters, no conflicts (2 of 4 stars). 10 submissions from 10 submitters: Benign (3); Likely benign (6). 1 of the submissions does not count toward it. Last evaluated 2026-02-17.

Conditions:
ALDH7A1-related disorder. Also called: ALDH7A1-related condition.
Inborn genetic diseases. Identifiers: MedGen C0950123, MeSH D030342.
Pyridoxine-dependent epilepsy (EPEO4). Also called: Pyridoxine-Dependent Seizures; Pyridoxine-Dependent Epilepsy - ALDH7A1; EPILEPSY, EARLY-ONSET, 4, VITAMIN B6-DEPENDENT; PYRIDOXINE DEPENDENCY WITH SEIZURES. Identifiers: Orphanet 3006, MedGen C1849508, MONDO:0009945, OMIM 266100. Disease mechanism: loss of function.

Allele frequency attached by ClinVar (database versions not stated): gnomAD exomes 0.00011 and 0.00047; gnomAD 0.00020 and 0.00025; TOPMed 0.00029; ExAC 0.00049; 1000 Genomes Project 0.00140; 1000 Genomes Project 30x 0.00141.
gnomAD v4.1: 222 of 1,555,882 alleles (0.014%); highest among the groups gnomAD compares: East Asian, 0.34%; 1 homozygote.

Submissions (10):

Women's Health and Genetics/Laboratory Corporation of America, LabCorp
Classification: Likely benign. Last evaluated: 2026-02-17. Review status: criteria provided, single submitter. Criteria: LabCorp Variant Classification Summary - May 2015. Collection method: clinical testing. Allele origin: germline.

Labcorp Genetics (formerly Invitae), Labcorp
Classification: Benign for Pyridoxine-dependent epilepsy. Last evaluated: 2026-02-02. Review status: criteria provided, single submitter. Criteria: Invitae Variant Classification Sherloc (09022015). Collection method: clinical testing. Allele origin: germline.

Blueprint Genetics
Classification: Likely benign. Last evaluated: 2024-10-30. Review status: criteria provided, single submitter. Criteria: ACMG Guidelines, 2015. Collection method: clinical testing. Allele origin: germline.

Athena Diagnostics
Classification: Benign. Last evaluated: 2024-08-20. Review status: criteria provided, single submitter. Criteria: Athena Diagnostics Criteria. Collection method: clinical testing. Allele origin: unknown.

Genome-Nilou Lab
Classification: Likely benign for Pyridoxine-dependent epilepsy. Last evaluated: 2023-04-11. Review status: criteria provided, single submitter. Criteria: ACMG Guidelines, 2015. Collection method: clinical testing. Allele origin: germline. Affected: no.

CeGaT Center for Human Genetics Tuebingen
Classification: Likely benign. Last evaluated: 2022-03-01. Review status: criteria provided, single submitter. Criteria: CeGaT Center For Human Genetics Tuebingen Variant Classification Criteria Version 2. Collection method: clinical testing. Allele origin: germline. Affected: yes. Observed: 1 variant allele.
Comment: ALDH7A1: BP4, BP7

Ambry Genetics
Classification: Likely benign for Inborn genetic diseases. Last evaluated: 2016-07-12. Review status: criteria provided, single submitter. Criteria: Ambry Variant Classification Scheme 2023. Collection method: clinical testing. Allele origin: germline.

Eurofins Ntd Llc (ga)
Classification: Likely benign. Last evaluated: 2014-12-17. Review status: criteria provided, single submitter. Criteria: EGL Classification Definitions 2015. Collection method: clinical testing. Allele origin: germline. Observed: 2 variant alleles, 2 heterozygotes.

GeneDx
Classification: Benign. Last evaluated: 2014-01-31. Review status: criteria provided, single submitter. Criteria: GeneDx Variant Classification (06012015). Collection method: clinical testing. Allele origin: germline. Affected: yes.
Comment: This variant is considered likely benign or benign based on one or more of the following criteria: it is a conservative change, it occurs at a poorly conserved position in the protein, it is predicted to be benign by multiple in silico algorithms, and/or has population frequency not consistent with disease.

PreventionGenetics, part of Exact Sciences
Classification: Likely benign for ALDH7A1-related condition. Last evaluated: 2019-04-26. Review status: no assertion criteria provided. Collection method: clinical testing. Allele origin: germline. Not counted in ClinVar's aggregate classification.
Comment: This variant is classified as likely benign based on ACMG/AMP sequence variant interpretation guidelines (Richards et al. 2015 PMID: 25741868, with internal and published modifications).

NM_001182.5(ALDH7A1):c.39A>G (p.Ala13=)

Gene: ALDH7A1 (aldehyde dehydrogenase 7 family member A1; minus strand). Cytogenetic location: 5q23.2.
Variant type: single nucleotide variant.
Coding change: c.39A>G on transcript NM_001182.5 (MANE Select); coding-DNA position 39, A replaced by G.
Protein change: p.Ala13=; no amino-acid change (alanine 13 retained).
Molecular consequence: synonymous variant. On other transcripts: 5 prime UTR variant (1).
Genome position (GRCh38, 1-based): chr5:126,595,160, T>C on the plus strand (A>G on the coding strand, the complement: ALDH7A1 is on the minus strand). VCF-style: chr5-126595160-T-C. GRCh37 (hg19) VCF-style: chr5-125930852-T-C.
Other names: p.A13A:GCA>GCG; c.-46A>G (NM_001201377.2); c.39A>G, p.Ala13= (NM_001202404.2).
Identifiers: ClinVar variation 136379 (VCV000136379.48), dbSNP rs201566142, ClinGen allele CA302688.